The following is an entry in ClinVar:

ClinVar aggregate classification (germline): Uncertain significance (1 of 4 stars; one submission).

Conditions:
Hereditary pancreatitis (PCTT). Also called: Hereditary chronic pancreatitis; PRSS1-Related Hereditary Pancreatitis. Identifiers: Orphanet 676, MedGen C0238339, MONDO:0008185, OMIM 167800.

Submission:

Sema4
Classification: Uncertain significance for Hereditary pancreatitis. Last evaluated: 2021-04-20. Review status: criteria provided, single submitter. Criteria: Sema4 Curation Guidelines. Collection method: curation. Allele origin: germline.
Comment: The CFTR c.2914A>G (p.I972V) variant has not been reported in the literature to our knowledge. It was not observed in the large and broad cohorts of the Genome Aggregation Database (PMID: 32461654). The variant has not been reported in ClinVar. In silico tools suggest the impact of the variant on protein function is deleterious, though these predictions have not been confirmed by functional studies. The evidence is insufficient to meet ACMG/AMP criteria for classifying the variant as benign or pathogenic. Thus, the clinical significance of this variant is currently uncertain.

NM_000492.4(CFTR):c.2914A>G (p.Ile972Val)

Genes: CFTR-AS2 (CFTR antisense RNA 2; minus strand), CFTR (CF transmembrane conductance regulator; plus strand). Cytogenetic location: 7q31.2.
Variant type: single nucleotide variant.
Coding change: c.2914A>G on transcript NM_000492.4 (MANE Select); coding-DNA position 2914, A replaced by G.
Protein change: p.Ile972Val; replaces isoleucine 972 with valine.
Molecular consequence: missense variant.
Genome position (GRCh38, 1-based): chr7:117,606,679, A>G. VCF-style: chr7-117606679-A-G. GRCh37 (hg19) VCF-style: chr7-117246733-A-G.
Other names: short protein forms I972V.
Identifiers: ClinVar variation 1692452 (VCV001692452.1), dbSNP rs2116069322, ClinGen allele CA368988906.
Genomic context (GRCh38, chr7:117,606,679, plus strand): 5'-TATATCTTTAAAAAATTAGTGTTTTTTGAGGAATTTGTCATCTTGTATATTATAGGTGGG[A>G]TTCTTAATAGATTCTCCAAAGATATAGCAATTTTGGATGACCTTCTGCCTCTTACCATAT-3'
Protein context (NP_000483.3, residues 962-982): STLNTLKAGG[Ile972Val]LNRFSKDIAI